The following is an entry in ClinVar:

NM_181882.3(PRX):c.3900C>T (p.Ala1300=)

Gene: PRX (periaxin; minus strand). Cytogenetic location: 19q13.2.
Variant type: single nucleotide variant.
Coding change: c.3900C>T on transcript NM_181882.3 (MANE Select); coding-DNA position 3900, C replaced by T.
Protein change: p.Ala1300=; no amino-acid change (alanine 1300 retained).
Molecular consequence: synonymous variant. On other transcripts: 3 prime UTR variant (1).
Genome position (GRCh38, 1-based): chr19:40,394,452, G>A on the plus strand (C>T on the coding strand, the complement: PRX is on the minus strand). VCF-style: chr19-40394452-G-A. GRCh37 (hg19) VCF-style: chr19-40900359-G-A.
Other names: c.4185C>T, p.Ala1395= (NM_001411127.1); c.*4105C>T (NM_020956.2).
Identifiers: ClinVar variation 2896784 (VCV002896784.5), dbSNP rs757223803, ClinGen allele CA9443749.
Genomic context (GRCh38, chr19:40,394,452, plus strand): 5'-GGCCCCCTCCTTGGCCCGCACCAGGCCAAACCGGGGCAGCCGTACCTTGAGCTTGTGTCC[G>A]GCCTCTCCCTCCCCCTCTGCCACCTGGTACTCGGCATGGTTGCCCCCGGATGGCGAGAGC-3'
Protein context (NP_870998.2, residues 1290-1310): EYQVAEGEGE[Ala1300=]GHKLKVRLPR

ClinVar aggregate classification (germline): Likely benign. Review status: criteria provided, single submitter (1 of 4 stars). 2 submissions from 2 submitters: Likely benign (1). 1 of the submissions does not count toward it. Last evaluated 2025-04-30.

Conditions:
PRX-related disorder. Also called: PRX-Related Disorders; PRX-related condition.
Charcot-Marie-Tooth disease type 4. Also called: Charcot-Marie-Tooth disease, type IV; Charcot-Marie-Tooth, Type 4. Identifiers: Orphanet 64749, MedGen C4082197, MONDO:0018995.

Allele frequency attached by ClinVar (database versions not stated): TOPMed below 0.00001; ExAC 0.00001; gnomAD 0.00001.
gnomAD v4.1: 13 of 1,601,666 alleles (0.00081%); highest among the groups gnomAD compares: Middle Eastern, 0.066%; no homozygotes.

Submissions (2):

Labcorp Genetics (formerly Invitae), Labcorp
Classification: Likely benign for Charcot-Marie-Tooth disease type 4. Last evaluated: 2025-04-30. Review status: criteria provided, single submitter. Criteria: Invitae Variant Classification Sherloc (09022015). Collection method: clinical testing. Allele origin: germline.

PreventionGenetics, part of Exact Sciences
Classification: Likely benign for PRX-related condition. Last evaluated: 2020-05-12. Review status: no assertion criteria provided. Collection method: clinical testing. Allele origin: germline. Not counted in ClinVar's aggregate classification.
Comment: This variant is classified as likely benign based on ACMG/AMP sequence variant interpretation guidelines (Richards et al. 2015 PMID: 25741868, with internal and published modifications).